The following is an entry in ClinVar:

ClinVar aggregate classification (germline): Uncertain significance. Review status: criteria provided, multiple submitters, no conflicts (2 of 4 stars). 3 submissions from 3 submitters: Uncertain significance (3). Last evaluated 2025-08-20.

Conditions:
Dyskeratosis congenita. Identifiers: Orphanet 1775, MedGen C0265965, MONDO:0015780.
Dyskeratosis congenita, autosomal dominant 2. Identifiers: MedGen C3151443, MONDO:0013521, OMIM 613989.
Idiopathic Pulmonary Fibrosis. Also called: Idiopathic fibrosing alveolitis, chronic form; idiopathic fibrosing alveolitis. Identifiers: Orphanet 2032, MedGen C1800706, MeSH D054990, MONDO:0800504.

Allele frequency attached by ClinVar (database versions not stated): gnomAD exomes below 0.00001.
gnomAD v4.1: 1 of 1,614,122 alleles (0.000062%); highest among the groups gnomAD compares: Admixed American, 0.0017%; no homozygotes.

Submissions (3):

Ambry Genetics
Classification: Uncertain significance for Dyskeratosis congenita. Last evaluated: 2025-08-20. Review status: criteria provided, single submitter. Criteria: Ambry Variant Classification Scheme 2023. Collection method: clinical testing. Allele origin: germline.
Comment: The p.K543R variant (also known as c.1628A>G), located in coding exon 3 of the TERT gene, results from an A to G substitution at nucleotide position 1628. The lysine at codon 543 is replaced by arginine, an amino acid with highly similar properties. This amino acid position is conserved. In addition, this alteration is predicted to be tolerated by in silico analysis. Based on the available evidence, the clinical significance of this variant remains unclear.

Labcorp Genetics (formerly Invitae), Labcorp
Classification: Uncertain significance for Dyskeratosis congenita, autosomal dominant 2; Idiopathic Pulmonary Fibrosis. Last evaluated: 2023-07-28. Review status: criteria provided, single submitter. Criteria: Invitae Variant Classification Sherloc (09022015). Collection method: clinical testing. Allele origin: germline.
Comment: In summary, the available evidence is currently insufficient to determine the role of this variant in disease. Therefore, it has been classified as a Variant of Uncertain Significance. Advanced modeling of protein sequence and biophysical properties (such as structural, functional, and spatial information, amino acid conservation, physicochemical variation, residue mobility, and thermodynamic stability) performed at Invitae indicates that this missense variant is not expected to disrupt TERT protein function. This variant has not been reported in the literature in individuals affected with TERT-related conditions. This variant is present in population databases (no rsID available, gnomAD 0.003%). This sequence change replaces lysine, which is basic and polar, with arginine, which is basic and polar, at codon 543 of the TERT protein (p.Lys543Arg).

GeneDx
Classification: Uncertain significance. Last evaluated: 2023-07-16. Review status: criteria provided, single submitter. Criteria: GeneDx Variant Classification Process June 2021. Collection method: clinical testing. Allele origin: germline. Affected: yes.
Comment: Not observed at significant frequency in large population cohorts (gnomAD); In silico analysis supports that this missense variant does not alter protein structure/function; Has not been previously published as pathogenic or benign to our knowledge

NM_198253.3(TERT):c.1628A>G (p.Lys543Arg)

Gene: TERT (telomerase reverse transcriptase; minus strand). Cytogenetic location: 5p15.33.
Variant type: single nucleotide variant.
Coding change: c.1628A>G on transcript NM_198253.3 (MANE Select); coding-DNA position 1628, A replaced by G.
Protein change: p.Lys543Arg; replaces lysine 543 with arginine.
Molecular consequence: missense variant. On other transcripts: non-coding transcript variant (2).
Genome position (GRCh38, 1-based): chr5:1,282,570, T>C on the plus strand (A>G on the coding strand, the complement: TERT is on the minus strand). VCF-style: chr5-1282570-T-C. GRCh37 (hg19) VCF-style: chr5-1282685-T-C.
Other names: c.1628A>G, p.Lys543Arg (NM_001193376.3, NM_003219.1); short protein forms K543R.
Identifiers: ClinVar variation 2950378 (VCV002950378.5), dbSNP rs1216945375, ClinGen allele CA359083370.